The following is an entry in ClinVar:

ClinVar aggregate classification (germline): Benign (1 of 4 stars; one submission).

gnomAD v4.1: 4,895 of 1,541,598 alleles (0.32%); highest among the groups gnomAD compares: African/African-American, 2.4%; 64 homozygotes.

Submissions (18):

Women's Health and Genetics/Laboratory Corporation of America, LabCorp
Classification: Benign. Last evaluated: 2026-04-08. Review status: criteria provided, single submitter. Criteria: LabCorp Variant Classification Summary - May 2015. Collection method: clinical testing. Allele origin: germline.
Comment: Variant summary: TAP2 c.-4-15C>G is located in the untranslated mRNA region upstream of the initiation codon. Several computational tools predict a significant impact on normal splicing: Two predict the variant weakens a 3' acceptor site. Two predict the variant creates a 5' donor site. One predict the variant no significant impact on splicing. However, these predictions have yet to be confirmed by functional studies. The variant allele was found at a frequency of 0.0046 in 188732 control chromosomes in the gnomAD database, including 15 homozygotes. The observed variant frequency exceeds the estimated maximal expected allele frequency for disease-causing variants in TAP2. To our knowledge, no occurrence of c.-4-15C>G in individuals affected with TAP2-related conditions and no experimental evidence demonstrating its impact on protein function have been reported. ClinVar contains an entry for this variant (Variation ID: 4326461). Based on the evidence outlined above, the variant was classified as benign.

Dr. Peter K. Rogan Lab, Western University
No classification provided (evidence only). Condition: Lung cancer. Review status: no classification provided. Collection method: in vitro. Allele origin: not applicable. Functional consequence: retained intron. Not counted in ClinVar's aggregate classification.

Dr. Peter K. Rogan Lab, Western University
No classification provided (evidence only). Condition: Lung cancer. Review status: no classification provided. Collection method: in vitro. Allele origin: not applicable. Functional consequence: skipped exon, retained intron. Not counted in ClinVar's aggregate classification.

Dr. Peter K. Rogan Lab, Western University
No classification provided (evidence only). Condition: Melanoma. Review status: no classification provided. Collection method: in vitro. Allele origin: not applicable. Functional consequence: retained intron. Not counted in ClinVar's aggregate classification.

Dr. Peter K. Rogan Lab, Western University
No classification provided (evidence only). Condition: Thyroid cancer, nonmedullary, 1. Review status: no classification provided. Collection method: in vitro. Allele origin: not applicable. Functional consequence: retained intron. Not counted in ClinVar's aggregate classification.

Dr. Peter K. Rogan Lab, Western University
No classification provided (evidence only). Condition: Uterine corpus endometrial carcinoma. Review status: no classification provided. Collection method: in vitro. Allele origin: not applicable. Functional consequence: retained intron. Not counted in ClinVar's aggregate classification.

Dr. Peter K. Rogan Lab, Western University
No classification provided (evidence only). Condition: Uterine corpus endometrial carcinoma. Review status: no classification provided. Collection method: in vitro. Allele origin: not applicable. Functional consequence: retained intron. Not counted in ClinVar's aggregate classification.

Dr. Peter K. Rogan Lab, Western University
No classification provided (evidence only). Condition: Uterine corpus endometrial carcinoma. Review status: no classification provided. Collection method: in vitro. Allele origin: not applicable. Functional consequence: retained intron. Not counted in ClinVar's aggregate classification.

Dr. Peter K. Rogan Lab, Western University
No classification provided (evidence only). Condition: Cervical cancer. Review status: no classification provided. Collection method: in vitro. Allele origin: not applicable. Functional consequence: retained intron. Not counted in ClinVar's aggregate classification.

Dr. Peter K. Rogan Lab, Western University
No classification provided (evidence only). Condition: Cervical cancer. Review status: no classification provided. Collection method: in vitro. Allele origin: not applicable. Functional consequence: skipped exon, retained intron. Not counted in ClinVar's aggregate classification.

Dr. Peter K. Rogan Lab, Western University
No classification provided (evidence only). Condition: Cervical cancer. Review status: no classification provided. Collection method: in vitro. Allele origin: not applicable. Functional consequence: retained intron. Not counted in ClinVar's aggregate classification.

Dr. Peter K. Rogan Lab, Western University
No classification provided (evidence only). Condition: Cervical cancer. Review status: no classification provided. Collection method: in vitro. Allele origin: not applicable. Functional consequence: retained intron. Not counted in ClinVar's aggregate classification.

Dr. Peter K. Rogan Lab, Western University
No classification provided (evidence only). Condition: Cervical cancer. Review status: no classification provided. Collection method: in vitro. Allele origin: not applicable. Functional consequence: retained intron. Not counted in ClinVar's aggregate classification.

Dr. Peter K. Rogan Lab, Western University
No classification provided (evidence only). Condition: Sarcoma. Review status: no classification provided. Collection method: in vitro. Allele origin: not applicable. Functional consequence: retained intron. Not counted in ClinVar's aggregate classification.

Dr. Peter K. Rogan Lab, Western University
No classification provided (evidence only). Condition: Ovarian serous cystadenocarcinoma. Review status: no classification provided. Collection method: in vitro. Allele origin: not applicable. Functional consequence: retained intron. Not counted in ClinVar's aggregate classification.

Dr. Peter K. Rogan Lab, Western University
No classification provided (evidence only). Condition: Chronic lymphocytic leukemia/small lymphocytic lymphoma. Review status: no classification provided. Collection method: in vitro. Allele origin: not applicable. Functional consequence: retained intron. Not counted in ClinVar's aggregate classification.

Dr. Peter K. Rogan Lab, Western University
No classification provided (evidence only). Condition: Nonpapillary renal cell carcinoma. Review status: no classification provided. Collection method: in vitro. Allele origin: not applicable. Functional consequence: retained intron. Not counted in ClinVar's aggregate classification.

Dr. Peter K. Rogan Lab, Western University
No classification provided (evidence only). Condition: Ovarian cancer. Review status: no classification provided. Collection method: in vitro. Allele origin: not applicable. Functional consequence: retained intron. Not counted in ClinVar's aggregate classification.

NM_001290043.2(TAP2):c.-4-15C>G

Gene: TAP2 (transporter 2, ATP binding cassette subfamily B member; minus strand). Cytogenetic location: 6p21.32.
Variant type: single nucleotide variant.
Coding change: c.-4-15C>G on transcript NM_001290043.2 (MANE Select); 15 bases into the intron before 4 bases upstream of the start codon, C replaced by G.
Molecular consequence: intron variant.
Genome position (GRCh38, 1-based): chr6:32,838,252, G>C on the plus strand (C>G on the coding strand, the complement: TAP2 is on the minus strand). VCF-style: chr6-32838252-G-C. GRCh37 (hg19) VCF-style: chr6-32806029-G-C.
Other names: NC_000006.11:g.32806029G>C; c.-4-15C>G (NM_018833.3).
Identifiers: ClinVar variation 4326461 (VCV004326461.2).